The following is an entry in ClinVar:

NM_019844.4(SLCO1B3):c.1101C>T (p.Tyr367=)

Genes: SLCO1B3 (solute carrier organic anion transporter family member 1B3; plus strand), SLCO1B3-SLCO1B7 (SLCO1B3-SLCO1B7 readthrough; plus strand). Cytogenetic location: 12p12.2.
Variant type: single nucleotide variant.
Coding change: c.1101C>T on transcript NM_019844.4 (MANE Select); coding-DNA position 1101, C replaced by T.
Protein change: p.Tyr367=; no amino-acid change (tyrosine 367 retained).
Molecular consequence: synonymous variant.
Genome position (GRCh38, 1-based): chr12:20,877,902, C>T. VCF-style: chr12-20877902-C-T. GRCh37 (hg19) VCF-style: chr12-21030836-C-T.
Other names: c.1101C>T, p.Tyr367= (NM_001371097.1); c.1017C>T, p.Tyr339= (NM_001349920.2).
Identifiers: ClinVar variation 727114 (VCV000727114.10), dbSNP rs777458586, ClinGen allele CA6475445.

ClinVar aggregate classification (germline): Conflicting classifications of pathogenicity. Review status: criteria provided, conflicting classifications (1 of 4 stars). 4 submissions from 4 submitters: Uncertain significance (1); Likely benign (2). 1 of the submissions does not count toward it. Last evaluated 2022-06-21.

Conditions:
SLCO1B3-related disorder. Also called: SLCO1B3-related condition.
Rotor syndrome (HBLRR). Also called: HYPERBILIRUBINEMIA, ROTOR TYPE, DIGENIC; HYPERBILIRUBINEMIA, ROTOR TYPE. Identifiers: Orphanet 3111, MedGen C0220991, MONDO:0009379, OMIM 237450.

Allele frequency attached by ClinVar (database versions not stated): ExAC 0.00002; gnomAD exomes 0.00003 and 0.00004; gnomAD 0.00007; TOPMed 0.00008.
gnomAD v4.1: 74 of 1,590,502 alleles (0.0047%); highest among the groups gnomAD compares: African/African-American, 0.019%; no homozygotes.

Submissions (4):

Blueprint Genetics
Classification: Likely benign. Last evaluated: 2022-06-21. Review status: criteria provided, single submitter. Criteria: ACMG Guidelines, 2015. Collection method: clinical testing. Allele origin: germline.

Labcorp Genetics (formerly Invitae), Labcorp
Classification: Likely benign. Last evaluated: 2018-02-20. Review status: criteria provided, single submitter. Criteria: Invitae Variant Classification Sherloc (09022015). Collection method: clinical testing. Allele origin: germline.

Illumina Laboratory Services, Illumina
Classification: Uncertain significance for Rotor syndrome. Last evaluated: 2018-01-13. Review status: criteria provided, single submitter. Criteria: ICSL Variant Classification Criteria 13 December 2019. Collection method: clinical testing. Allele origin: germline.

PreventionGenetics, part of Exact Sciences
Classification: Likely benign for SLCO1B3-related condition. Last evaluated: 2019-05-02. Review status: no assertion criteria provided. Collection method: clinical testing. Allele origin: germline. Not counted in ClinVar's aggregate classification.
Comment: This variant is classified as likely benign based on ACMG/AMP sequence variant interpretation guidelines (Richards et al. 2015 PMID: 25741868, with internal and published modifications).